The following is an entry in ClinVar:

ClinVar aggregate classification (germline): Uncertain significance (1 of 4 stars; one submission).

Conditions:
Early-infantile DEE. Also called: Early infantile epileptic encephalopathy with suppression bursts; Early infantile epileptic encephalopathy; Ohtahara syndrome. Identifiers: Orphanet 1934, MedGen C0393706, MONDO:0800491.

Allele frequency attached by ClinVar (database versions not stated): gnomAD exomes below 0.00001; ExAC 0.00001.
gnomAD v4.1: 1 of 1,611,376 alleles (0.000062%); no homozygotes.

Submission:

Labcorp Genetics (formerly Invitae), Labcorp
Classification: Uncertain significance for Early-infantile DEE. Last evaluated: 2021-08-26. Review status: criteria provided, single submitter. Criteria: Invitae Variant Classification Sherloc (09022015). Collection method: clinical testing. Allele origin: germline.
Comment: This sequence change falls in intron 14 of the KCNQ2 gene. It does not directly change the encoded amino acid sequence of the KCNQ2 protein. It affects a nucleotide within the consensus splice site of the intron. This variant is present in population databases (rs765708117, ExAC 0.002%). This variant has not been reported in the literature in individuals affected with KCNQ2-related conditions. Variants that disrupt the consensus splice site are a relatively common cause of aberrant splicing (PMID: 17576681, 9536098). Algorithms developed to predict the effect of sequence changes on RNA splicing suggest that this variant may disrupt the consensus splice site. In summary, the available evidence is currently insufficient to determine the role of this variant in disease. Therefore, it has been classified as a Variant of Uncertain Significance.

Literature cited by the submitters: PubMed 17576681; PubMed 9536098.

NM_172107.4(KCNQ2):c.1632-3C>A

Gene: KCNQ2 (potassium voltage-gated channel subfamily Q member 2; minus strand). Cytogenetic location: 20q13.33.
Variant type: single nucleotide variant.
Coding change: c.1632-3C>A on transcript NM_172107.4 (MANE Select); 3 bases into the intron before coding-DNA position 1632, C replaced by A.
Molecular consequence: intron variant.
Genome position (GRCh38, 1-based): chr20:63,413,584, G>T on the plus strand (C>A on the coding strand, the complement: KCNQ2 is on the minus strand). VCF-style: chr20-63413584-G-T. GRCh37 (hg19) VCF-style: chr20-62044937-G-T.
Other names: c.1548-3C>A (NM_004518.6); c.1539-3C>A (NM_172108.5); c.1578-3C>A (NM_172106.3, NM_001382235.1).
Identifiers: ClinVar variation 1361053 (VCV001361053.7), dbSNP rs765708117, ClinGen allele CA9958335.
Genomic context (GRCh38, chr20:63,413,584, plus strand): 5'-GTCGTAGGGCCGCAGGCTCTCCTTGAACTTCCGCTTGGACACCAGGAACCGCATGACACT[G>T]CAGGGGGGTGGGTGGGGCTGTGAGCCCTGGGCCAGAGACCCCCGGCCACAGGCACCAGGA-3'